The following is an entry in ClinVar:

NM_198253.3(TERT):c.874A>C (p.Thr292Pro)

Gene: TERT (telomerase reverse transcriptase; minus strand). Cytogenetic location: 5p15.33.
Variant type: single nucleotide variant.
Coding change: c.874A>C on transcript NM_198253.3 (MANE Select); coding-DNA position 874, A replaced by C.
Protein change: p.Thr292Pro; replaces threonine 292 with proline.
Molecular consequence: missense variant. On other transcripts: non-coding transcript variant (2).
Genome position (GRCh38, 1-based): chr5:1,294,012, T>G on the plus strand (A>C on the coding strand, the complement: TERT is on the minus strand). VCF-style: chr5-1294012-T-G. GRCh37 (hg19) VCF-style: chr5-1294127-T-G.
Other names: c.874A>C, p.Thr292Pro (NM_001193376.3, NM_003219.1); short protein forms T292P.
Identifiers: ClinVar variation 2950263 (VCV002950263.3), dbSNP rs2478418737, ClinGen allele CA359056376.

ClinVar aggregate classification (germline): Uncertain significance (1 of 4 stars; one submission).

Conditions:
Idiopathic Pulmonary Fibrosis. Also called: Idiopathic fibrosing alveolitis, chronic form; idiopathic fibrosing alveolitis. Identifiers: Orphanet 2032, MedGen C1800706, MeSH D054990, MONDO:0800504.
Dyskeratosis congenita, autosomal dominant 2. Identifiers: MedGen C3151443, MONDO:0013521, OMIM 613989.

Submission:

Labcorp Genetics (formerly Invitae), Labcorp
Classification: Uncertain significance for Dyskeratosis congenita, autosomal dominant 2; Idiopathic Pulmonary Fibrosis. Last evaluated: 2023-07-25. Review status: criteria provided, single submitter. Criteria: Invitae Variant Classification Sherloc (09022015). Collection method: clinical testing. Allele origin: germline.
Comment: In summary, the available evidence is currently insufficient to determine the role of this variant in disease. Therefore, it has been classified as a Variant of Uncertain Significance. Algorithms developed to predict the effect of missense changes on protein structure and function output the following: SIFT: "Not Available"; PolyPhen-2: "Benign"; Align-GVGD: "Not Available". The proline amino acid residue is found in multiple mammalian species, which suggests that this missense change does not adversely affect protein function. This variant has not been reported in the literature in individuals affected with TERT-related conditions. This variant is not present in population databases (gnomAD no frequency). This sequence change replaces threonine, which is neutral and polar, with proline, which is neutral and non-polar, at codon 292 of the TERT protein (p.Thr292Pro).